The following is an entry in ClinVar:

ClinVar aggregate classification (germline): Pathogenic/Likely pathogenic. Review status: criteria provided, multiple submitters, no conflicts (2 of 4 stars). 3 submissions from 3 submitters: Pathogenic (1); Likely pathogenic (1). 1 of the submissions does not count toward it. Last evaluated 2024-03-05.

Conditions:
Pituitary hormone deficiency, combined, 2. Also called: PROP1-Related Combined Pituitary Hormone Deficiency; ATELIOTIC DWARFISM WITH HYPOGONADISM; HANHART DWARFISM; PITUITARY DWARFISM III. Identifiers: MedGen C0878683, MONDO:0009878, OMIM 262600.

Submissions (3):

Baylor Genetics
Classification: Likely pathogenic for Pituitary hormone deficiency, combined, 2. Last evaluated: 2024-03-05. Review status: criteria provided, single submitter. Criteria: ACMG Guidelines, 2015. Collection method: clinical testing. Allele origin: unknown.

Labcorp Genetics (formerly Invitae), Labcorp
Classification: Pathogenic. Last evaluated: 2021-06-24. Review status: criteria provided, single submitter. Criteria: Invitae Variant Classification Sherloc (09022015). Collection method: clinical testing. Allele origin: germline.
Comment: This variant disrupts the C-terminus of the PROP1 protein. Other variant(s) that disrupt this region (p.Trp194*) have been determined to be pathogenic (PMID: 15941866, 20381582, Invitae). This suggests that variants that disrupt this region of the protein are likely to be causative of disease. This sequence change results in a premature translational stop signal in the PROP1 gene (p.Ser130Alafs*36). While this is not anticipated to result in nonsense mediated decay, it is expected to disrupt the last 97 amino acids of the PROP1 protein. This variant is not present in population databases (ExAC no frequency). This variant has not been reported in the literature in individuals with PROP1-related conditions. For these reasons, this variant has been classified as Pathogenic.

Counsyl
Classification: Likely pathogenic for Pituitary hormone deficiency, combined, 2. Last evaluated: 2018-03-14. Review status: no assertion criteria provided. Collection method: clinical testing. Allele origin: unknown. Not counted in ClinVar's aggregate classification.

Literature cited by the submitters: PubMed 15941866 (cited by Labcorp Genetics (formerly Invitae), Labcorp); PubMed 20381582 (cited by Labcorp Genetics (formerly Invitae), Labcorp).

NM_006261.5(PROP1):c.386_387dup (p.Ser130fs)

Gene: PROP1 (PROP paired-like homeobox 1; minus strand). Cytogenetic location: 5q35.3.
Variant type: Microsatellite.
Coding change: c.386_387dup on transcript NM_006261.5 (MANE Select); coding-DNA positions 386 to 387, 2 bases duplicated (GC; older notation c.386_387dupGC).
Protein change: p.Ser130fs; shifts the reading frame from serine 130.
Molecular consequence: frameshift variant.
Genome position (GRCh38, 1-based): chr5:177,993,003-177,993,004, GC duplicated on the plus strand (GC on the coding strand, the reverse complement: PROP1 is on the minus strand); duplicating any 2 consecutive bases within chr5:177,993,003-177,993,006 gives the same sequence; the c. name uses the placement nearest the transcript's 3' end. VCF-style (leftmost placement, unchanged base first): chr5-177993002-A-AGC. GRCh37 (hg19) VCF-style: chr5-177420003-A-AGC.
Other names: short protein forms S130fs.
Identifiers: ClinVar variation 557236 (VCV000557236.13), dbSNP rs1554182405, ClinGen allele CA658822671.